The following is an entry in ClinVar:

NM_000051.4(ATM):c.2689T>A (p.Phe897Ile)

Gene: ATM (ATM serine/threonine kinase; plus strand). Cytogenetic location: 11q22.3.
Variant type: single nucleotide variant.
Coding change: c.2689T>A on transcript NM_000051.4 (MANE Select); coding-DNA position 2689, T replaced by A.
Protein change: p.Phe897Ile; replaces phenylalanine 897 with isoleucine.
Molecular consequence: missense variant.
Genome position (GRCh38, 1-based): chr11:108,268,460, T>A. VCF-style: chr11-108268460-T-A. GRCh37 (hg19) VCF-style: chr11-108139187-T-A.
Other names: c.2689T>A, p.Phe897Ile (NM_001351834.2); short protein forms F897I.
Identifiers: ClinVar variation 188232 (VCV000188232.82), dbSNP rs147122522, ClinGen allele CA334390.

ClinVar aggregate classification (germline): Conflicting classifications of pathogenicity. Review status: criteria provided, conflicting classifications (1 of 4 stars). 17 submissions from 17 submitters: Uncertain significance (14); Likely benign (1). 2 of the submissions do not count toward it. Last evaluated 2026-06-29.

Conditions:
ATM-related disorder. Also called: ATM-related disorders; ATM-related condition.
ATM-related cancer predisposition. Also called: ATM-related cancer susceptibility. Identifiers: MedGen CN377759, MONDO:0700270.
Breast and/or ovarian cancer. Identifiers: MedGen CN221562.
Hereditary cancer-predisposing syndrome. Also called: Tumor predisposition; Neoplastic Syndromes, Hereditary; Hereditary Cancer Syndrome; Hereditary neoplastic syndrome. Identifiers: Orphanet 140162, MedGen C0027672, MeSH D009386, MONDO:0015356.
Ataxia-telangiectasia syndrome (AT). Also called: LOUIS-BAR SYNDROME; Ataxia-telangiectasia, complementation group D; Ataxia telangiectasia (A-T); AT, COMPLEMENTATION GROUP C; ATAXIA-TELANGIECTASIA, COMPLEMENTATION GROUP A; ATAXIA-TELANGIECTASIA, FRESNO VARIANT. Identifiers: Orphanet 100, MedGen C0004135, MONDO:0008840, OMIM 208900.
Familial cancer of breast. Also called: hereditary breast carcinoma; BREAST CANCER, FAMILIAL; Hereditary breast cancer. Identifiers: Orphanet 227535, MedGen C0346153, MONDO:0016419, OMIM 114480. Disease mechanism: loss of function.

Allele frequency attached by ClinVar (database versions not stated): gnomAD 0.00003 and 0.00004; TOPMed 0.00003; ESP Exome Variant Server 0.00008.
gnomAD v4.1: 57 of 1,613,938 alleles (0.0035%); highest among the groups gnomAD compares: Non-Finnish European, 0.0046%; no homozygotes.

Submissions (17):

Ambry Genetics
Classification: Likely benign for Hereditary cancer-predisposing syndrome. Last evaluated: 2026-06-29. Review status: criteria provided, single submitter. Criteria: Ambry Variant Classification Scheme 2023. Collection method: clinical testing. Allele origin: germline.

Labcorp Genetics (formerly Invitae), Labcorp
Classification: Uncertain significance for Ataxia-telangiectasia syndrome. Last evaluated: 2026-01-25. Review status: criteria provided, single submitter. Criteria: Invitae Variant Classification Sherloc (09022015). Collection method: clinical testing. Allele origin: germline.
Comment: This sequence change replaces phenylalanine, which is neutral and non-polar, with isoleucine, which is neutral and non-polar, at codon 897 of the ATM protein (p.Phe897Ile). This variant is present in population databases (rs147122522, gnomAD 0.006%). This missense change has been observed in individual(s) with breast cancer, gynecological cancer, melanoma, and/or pancreatic cancer (PMID: 28726808, 29371908, 34262154). ClinVar contains an entry for this variant (Variation ID: 188232). Invitae Evidence Modeling of protein sequence and biophysical properties (such as structural, functional, and spatial information, amino acid conservation, physicochemical variation, residue mobility, and thermodynamic stability) indicates that this missense variant is not expected to disrupt ATM protein function with a negative predictive value of 95%. In summary, the available evidence is currently insufficient to determine the role of this variant in disease. Therefore, it has been classified as a Variant of Uncertain Significance.

PreventionGenetics, part of Exact Sciences
Classification: Uncertain significance for ATM-related condition. Last evaluated: 2025-10-15. Review status: criteria provided, single submitter. Criteria: ACMG Guidelines, 2015. Collection method: clinical testing. Allele origin: germline.
Comment: The ATM c.2689T>A variant is predicted to result in the amino acid substitution p.Phe897Ile. This variant was reported in individuals with breast and/or ovarian cancer and melanoma (Dominguez-Valentin et al. 2018. PubMed ID: 29371908; Decker et al. 2017. PubMed ID: 28779002; Chaffee et al. 2017. PubMed ID: 28726808; Dalmasso et al. 2021. PubMed ID: 34262154). This variant is reported in 0.0062% of alleles in individuals of European (Non-Finnish) descent in gnomAD and is classified as uncertain in CLinVar (Variation ID: 188232). At this time, the clinical significance of this variant is uncertain due to the absence of conclusive functional and genetic evidence.

Quest Diagnostics Nichols Institute San Juan Capistrano
Classification: Uncertain significance. Last evaluated: 2025-07-29. Review status: criteria provided, single submitter. Criteria: Quest Diagnostics criteria. Collection method: clinical testing. Allele origin: unknown.

St. Jude Molecular Pathology, St. Jude Children's Research Hospital
Classification: Uncertain significance for Ataxia-telangiectasia syndrome. Last evaluated: 2025-02-05. Review status: criteria provided, single submitter. Criteria: St. Jude Assertion Criteria 2020. Collection method: clinical testing. Allele origin: germline.
Comment: The ATM c.7919C>T (p.Thr2640Ile) missense change has a maximum subpopulation frequency of 0.0062% in gnomAD v2.1.1. The in silico tool REVEL predicts a benign effect of this variant on protein function, and to our knowledge functional studies have not been performed. This variant has been identified in individuals with breast and pancreatic cancer (PMID: 28726808, 28779002). Additionally, it has been reported to co-occur with another ATM variant, p.Trp156Ter, in an individual diagnosed with ovarian cancer; however, the phase of these variants was not determined (PMID: 29371908). To our knowledge, this variant has not been reported in individuals with ataxia telangiectasia. In summary, the evidence currently available is insufficient to determine the clinical significance of this variant. It has therefore been classified as of uncertain significance.

Color Diagnostics, LLC DBA Color Health
Classification: Uncertain significance for Hereditary cancer-predisposing syndrome. Last evaluated: 2025-01-07. Review status: criteria provided, single submitter. Criteria: ACMG Guidelines, 2015. Collection method: clinical testing. Allele origin: germline.
Comment: This missense variant replaces phenylalanine with isoleucine at codon 897 of the ATM protein. Computational prediction suggests that this variant may not impact protein structure and function. To our knowledge, functional studies have not been reported for this variant. In an international breast cancer case-control meta-analysis, this variant was detected in 3/60466 cases and 2/53461 unaffected controls (PMID: 33471991). This variant has also been observed with a second ATM variant in an individual affected with ovarian cancer (PMID: 29371908). This variant has been identified in 8/251362 chromosomes in the general population by the Genome Aggregation Database (gnomAD). The available evidence is insufficient to determine the role of this variant in disease conclusively. Therefore, this variant is classified as a Variant of Uncertain Significance.

GeneDx
Classification: Uncertain significance. Last evaluated: 2024-11-13. Review status: criteria provided, single submitter. Criteria: GeneDx Variant Classification Process June 2021. Collection method: clinical testing. Allele origin: germline. Affected: yes.
Comment: Observed in individuals with breast, pancreatic, or ovarian cancer (PMID: 28779002, 28726808, 29371908); Not observed at significant frequency in large population cohorts (gnomAD); In silico analysis indicates that this missense variant does not alter protein structure/function; This variant is associated with the following publications: (PMID: 28726808, 25925381, 29371908, 28779002, 34262154, 35451682)

Hereditary Cancer Laboratory, Hospital Universitario 12 de Octubre
Classification: Uncertain significance for Hereditary cancer-predisposing syndrome. Last evaluated: 2024-03-06. Review status: criteria provided, single submitter. Criteria: ACMG Guidelines, 2015. Collection method: clinical testing. Allele origin: germline.
Comment: PM2+BP4

Baylor Genetics
Classification: Uncertain significance for Familial cancer of breast. Last evaluated: 2023-09-08. Review status: criteria provided, single submitter. Criteria: ACMG Guidelines, 2015. Collection method: clinical testing. Allele origin: unknown.

CHEO Genetics Diagnostic Laboratory, Children's Hospital of Eastern Ontario
Classification: Uncertain significance for Breast and/or ovarian cancer. Last evaluated: 2023-05-19. Review status: criteria provided, single submitter. Criteria: ACMG Guidelines, 2015. Collection method: clinical testing. Allele origin: germline.

Women's Health and Genetics/Laboratory Corporation of America, LabCorp
Classification: Uncertain significance. Last evaluated: 2022-08-29. Review status: criteria provided, single submitter. Criteria: LabCorp Variant Classification Summary - May 2015. Collection method: clinical testing. Allele origin: germline.
Comment: Variant summary: ATM c.2689T>A (p.Phe897Ile) results in a non-conservative amino acid change in the encoded protein sequence. Four of five in-silico tools predict a benign effect of the variant on protein function. The variant allele was found at a frequency of 3.2e-05 in 251362 control chromosomes (gnomAD). The available data on variant occurrences in the general population are insufficient to allow any conclusion about variant significance. c.2689T>A has been reported in the literature in individuals affected with pancreatic, breast, and ovarian cancers, as well as melanoma (e.g. Decker_2017, Chaffee_2018 Dominguez-Valentin_2018, Dalmasso_2021), including one case where it was reported as co-occurring with a pathogenic variant (ATM c.468G>A, p.Trp156X; Dominguez-Valentin_2018), providing supporting evidence for a benign role. To our knowledge, no experimental evidence demonstrating an impact on protein function has been reported. Nine clinical diagnostic laboratories have submitted clinical-significance assessments for this variant to ClinVar after 2014 and all classified the variant as uncertain significance. Based on the evidence outlined above, the variant was classified as uncertain significance.

MGZ Medical Genetics Center
Classification: Uncertain significance for Familial cancer of breast. Last evaluated: 2021-09-02. Review status: criteria provided, single submitter. Criteria: ACMG Guidelines, 2015. Collection method: clinical testing. Allele origin: germline. Affected: yes. Observed: 1 variant allele.
Comment: ACMG criteria applied: PM2_SUP, BP4

Department of Pathology and Laboratory Medicine, Sinai Health System
Classification: Uncertain significance for ATM-related cancer predisposition. Last evaluated: 2021-04-29. Review status: criteria provided, single submitter. Criteria: ACMG Guidelines, 2015. Collection method: clinical testing. Allele origin: germline. Affected: no.

Fulgent Genetics
Classification: Uncertain significance for Familial cancer of breast; Ataxia-telangiectasia syndrome. Last evaluated: 2018-10-31. Review status: criteria provided, single submitter. Criteria: ACMG Guidelines, 2015. Collection method: clinical testing. Allele origin: unknown.

CeGaT Center for Human Genetics Tuebingen
Classification: Uncertain significance. Last evaluated: 2016-06-01. Review status: criteria provided, single submitter. Criteria: CeGaT Center For Human Genetics Tuebingen Variant Classification Criteria Version 2. Collection method: clinical testing. Allele origin: germline. Affected: yes. Observed: 1 variant allele.

Natera, Inc.
Classification: Uncertain significance for Ataxia-telangiectasia. Last evaluated: 2020-09-16. Review status: no assertion criteria provided. Collection method: clinical testing. Allele origin: germline. Not counted in ClinVar's aggregate classification.

Counsyl
Classification: Uncertain significance for Ataxia-telangiectasia syndrome. Last evaluated: 2017-06-02. Review status: no assertion criteria provided. Collection method: clinical testing. Allele origin: unknown. Not counted in ClinVar's aggregate classification.

Literature cited by the submitters: PubMed 28726808 (cited by 4 submitters); PubMed 28779002 (cited by 3 submitters); PubMed 29371908 (cited by 5 submitters); PubMed 40580951 (cited by Ambry Genetics); PubMed 34262154 (cited by Labcorp Genetics (formerly Invitae), Labcorp and Women's Health and Genetics/Laboratory Corporation of America, LabCorp); PubMed 33471991 (cited by Color Diagnostics, LLC DBA Color Health and Department of Pathology and Laboratory Medicine, Sinai Health System).